The following is an entry in ClinVar:

ClinVar aggregate classification (germline): Uncertain significance (1 of 4 stars; one submission).

gnomAD v4.1: 1 of 1,614,124 alleles (0.000062%); highest among the groups gnomAD compares: Non-Finnish European, 0.000085%; no homozygotes.

Submission:

Labcorp Genetics (formerly Invitae), Labcorp
Classification: Uncertain significance. Last evaluated: 2025-10-27. Review status: criteria provided, single submitter. Criteria: Invitae Variant Classification Sherloc (09022015). Collection method: clinical testing. Allele origin: germline.
Comment: This sequence change replaces leucine, which is neutral and non-polar, with glutamine, which is neutral and polar, at codon 660 of the TOPORS protein (p.Leu660Gln). This variant is not present in population databases (gnomAD no frequency). This variant has not been reported in the literature in individuals affected with TOPORS-related conditions. Experimental studies and prediction algorithms are not available or were not evaluated, and the functional significance of this variant is currently unknown. In summary, the available evidence is currently insufficient to determine the role of this variant in disease. Therefore, it has been classified as a Variant of Uncertain Significance.

NM_005802.5(TOPORS):c.1979T>A (p.Leu660Gln)

Gene: TOPORS (TOP1 binding arginine/serine rich protein, E3 ubiquitin ligase; minus strand). Cytogenetic location: 9p21.1.
Variant type: single nucleotide variant.
Coding change: c.1979T>A on transcript NM_005802.5 (MANE Select); coding-DNA position 1979, T replaced by A.
Protein change: p.Leu660Gln; replaces leucine 660 with glutamine.
Molecular consequence: missense variant.
Genome position (GRCh38, 1-based): chr9:32,542,546, A>T on the plus strand (T>A on the coding strand, the complement: TOPORS is on the minus strand). VCF-style: chr9-32542546-A-T. GRCh37 (hg19) VCF-style: chr9-32542544-A-T.
Other names: c.1784T>A, p.Leu595Gln (NM_001195622.2); short protein forms L595Q, L660Q.
Identifiers: ClinVar variation 4768453 (VCV004768453.1).
Genomic context (GRCh38, chr9:32,542,546, plus strand): 5'-CTTTTACCATGATCACTGCTACGAGACCTTGATCTGCTTGTGCTTTCACTACTTAGAGAC[A>T]GAGTTTGGCTTCTTCTGGACCAACTGCTATCTCTAGTTCTTGATCTCTTTTTGTCTCTTC-3'
Protein context (NP_005793.2, residues 650-670): DSSWSRRSQT[Leu660Gln]SLSSESTSRS